The following is an entry in ClinVar:

NM_000722.4(CACNA2D1):c.218A>G (p.Asn73Ser)

Gene: CACNA2D1 (calcium voltage-gated channel auxiliary subunit alpha2delta 1; minus strand). Cytogenetic location: 7q21.11.
Variant type: single nucleotide variant.
Coding change: c.218A>G on transcript NM_000722.4 (MANE Select); coding-DNA position 218, A replaced by G.
Protein change: p.Asn73Ser; replaces asparagine 73 with serine.
Molecular consequence: missense variant.
Genome position (GRCh38, 1-based): chr7:82,335,211, T>C on the plus strand (A>G on the coding strand, the complement: CACNA2D1 is on the minus strand). VCF-style: chr7-82335211-T-C. GRCh37 (hg19) VCF-style: chr7-81964527-T-C.
Other names: c.218A>G, p.Asn73Ser (NM_001302890.2, NM_001366867.1); short protein forms N73S.
Identifiers: ClinVar variation 1787389 (VCV001787389.3), dbSNP rs775842827, ClinGen allele CA4318445.
Genomic context (GRCh38, chr7:82,335,211, plus strand): 5'-CTGTTGCTCAGAAGTTTCTCAATATCCCTGGCTGCAATTTCTACCAGCTGGCGTGCATTA[T>C]TTGGTTCCACAGTATACAAATCTTGATATTTCTCATAAATCTGTGTGAAAGAAAAAAAAA-3'
Protein context (NP_000713.2, residues 63-83): KYQDLYTVEP[Asn73Ser]NARQLVEIAA

ClinVar aggregate classification (germline): Uncertain significance (1 of 4 stars; one submission).

Conditions:
Cardiovascular phenotype. Identifiers: MedGen CN230736.

Allele frequency attached by ClinVar (database versions not stated): TOPMed below 0.00001; ExAC 0.00002; gnomAD exomes 0.00002.
gnomAD v4.1: 24 of 1,613,014 alleles (0.0015%); highest among the groups gnomAD compares: Non-Finnish European, 0.002%; no homozygotes.

Submission:

Ambry Genetics
Classification: Uncertain significance for Cardiovascular phenotype. Last evaluated: 2025-12-21. Review status: criteria provided, single submitter. Criteria: Ambry Variant Classification Scheme 2023. Collection method: clinical testing. Allele origin: germline.
Comment: The p.N73S variant (also known as c.218A>G), located in coding exon 3 of the CACNA2D1 gene, results from an A to G substitution at nucleotide position 218. The asparagine at codon 73 is replaced by serine, an amino acid with highly similar properties. This amino acid position is conserved. In addition, this alteration is predicted to be tolerated by in silico analysis. Since supporting evidence is limited at this time, the clinical significance of this alteration remains unclear.